The following is an entry in ClinVar:

NM_000059.4(BRCA2):c.3133_3134del (p.Cys1044_Val1045insTer)

Gene: BRCA2 (BRCA2 DNA repair associated; plus strand). Cytogenetic location: 13q13.1.
Variant type: Microsatellite.
Coding change: c.3133_3134del on transcript NM_000059.4 (MANE Select); coding-DNA positions 3133 to 3134, 2 bases deleted (GT; older notation c.3133_3134delGT).
Protein change: p.Cys1044_Val1045insTer.
Molecular consequence: nonsense.
Genome position (GRCh38, 1-based): chr13:32,337,488-32,337,489, GT deleted; deleting any 2 consecutive bases within chr13:32,337,485-32,337,489 gives the same sequence; the c. name uses the placement nearest the transcript's 3' end. VCF-style (leftmost placement, unchanged base first): chr13-32337484-TTG-T. GRCh37 (hg19) VCF-style: chr13-32911621-TTG-T.
Identifiers: ClinVar variation 822963 (VCV000822963.5), dbSNP rs1593898654, ClinGen allele CA915948446.

ClinVar aggregate classification (germline): Pathogenic. Review status: criteria provided, multiple submitters, no conflicts (2 of 4 stars). 2 submissions from 2 submitters: Pathogenic (2). Last evaluated 2023-02-14.

Conditions:
Hereditary cancer-predisposing syndrome. Also called: Hereditary Cancer Syndrome; Neoplastic Syndromes, Hereditary; Hereditary neoplastic syndrome; Tumor predisposition. Identifiers: Orphanet 140162, MedGen C0027672, MeSH D009386, MONDO:0015356.
Breast-ovarian cancer, familial, susceptibility to, 2 (BROVCA2). Also called: BRCA2 Hereditary Breast and Ovarian Cancer. Identifiers: Orphanet 145, MedGen C2675520, MONDO:0012933, OMIM 612555. Disease mechanism: loss of function.

Submissions (2):

Myriad Genetics, Inc.
Classification: Pathogenic for Breast-ovarian cancer, familial, susceptibility to, 2. Last evaluated: 2023-02-14. Review status: criteria provided, single submitter. Criteria: Myriad Autosomal Dominant, Autosomal Recessive and X-Linked Classification Criteria (2023). Collection method: clinical testing. Allele origin: unknown.
Comment: This variant is considered pathogenic. This variant creates a termination codon and is predicted to result in premature protein truncation.

Ambry Genetics
Classification: Pathogenic for Hereditary cancer-predisposing syndrome. Last evaluated: 2019-08-02. Review status: criteria provided, single submitter. Criteria: Ambry Variant Classification Scheme 2023. Collection method: clinical testing. Allele origin: germline.
Comment: The c.3133_3134delGT pathogenic mutation (also known as p.V1045*), located in coding exon 10 of the BRCA2 gene, results from a deletion of two nucleotides at nucleotide positions 3133 to 3134. This changes the amino acid from a valine to a stop codon within coding exon 10. This alteration is expected to result in loss of function by premature protein truncation or nonsense-mediated mRNA decay. As such, this alteration is interpreted as a disease-causing mutation.